The following is an entry in ClinVar:

ClinVar aggregate classification (germline): Uncertain significance (1 of 4 stars; one submission).

Conditions:
Inborn genetic diseases. Identifiers: MedGen C0950123, MeSH D030342.

Submission:

Ambry Genetics
Classification: Uncertain significance for Inborn genetic diseases. Last evaluated: 2026-06-06. Review status: criteria provided, single submitter. Criteria: Ambry Variant Classification Scheme 2023. Collection method: clinical testing. Allele origin: germline.
Comment: The p.D876A variant (also known as c.2627A>C), located in coding exon 23 of the ANKRD26 gene, results from an A to C substitution at nucleotide position 2627. The aspartic acid at codon 876 is replaced by alanine, an amino acid with dissimilar properties. This amino acid position is conserved. In addition, this alteration is predicted to be tolerated by in silico analysis. Based on the available evidence, the clinical significance of this variant remains unclear.

NM_014915.3(ANKRD26):c.2627A>C (p.Asp876Ala)

Gene: ANKRD26 (ankyrin repeat domain 26; minus strand). Cytogenetic location: 10p12.1.
Variant type: single nucleotide variant.
Coding change: c.2627A>C on transcript NM_014915.3 (MANE Select); coding-DNA position 2627, A replaced by C.
Protein change: p.Asp876Ala; replaces aspartic acid 876 with alanine.
Molecular consequence: missense variant.
Genome position (GRCh38, 1-based): chr10:27,037,256, T>G on the plus strand (A>C on the coding strand, the complement: ANKRD26 is on the minus strand). VCF-style: chr10-27037256-T-G. GRCh37 (hg19) VCF-style: chr10-27326185-T-G.
Other names: c.2624A>C, p.Asp875Ala (NM_001256053.2); short protein forms D875A, D876A.
Identifiers: ClinVar variation 4859981 (VCV004859981.1).